The following is an entry in ClinVar:

ClinVar aggregate classification (germline): Uncertain significance (1 of 4 stars; one submission).

Conditions:
Intellectual developmental disorder, autosomal dominant 66. Also called: MENTAL RETARDATION, AUTOSOMAL DOMINANT 66. Identifiers: MedGen C5677000, MONDO:0030891, OMIM 619910.

Submission:

Juno Genomics, Hangzhou Juno Genomics, Inc
Classification: Uncertain significance for Intellectual developmental disorder, autosomal dominant 66. Review status: criteria provided, single submitter. Criteria: ACMG Guidelines, 2015. Collection method: clinical testing. Allele origin: germline.
Comment: Absent from controls (or at extremely low frequency if recessive) in Genome Aggregation Database.;Missense variant in a gene that has a low rate of benign missense variation.

NM_001366521.1(ATP2B1):c.712A>G (p.Ile238Val)

Gene: ATP2B1 (ATPase plasma membrane Ca2+ transporting 1; minus strand). Cytogenetic location: 12q21.33.
Variant type: single nucleotide variant.
Coding change: c.712A>G on transcript NM_001366521.1 (MANE Select); coding-DNA position 712, A replaced by G.
Protein change: p.Ile238Val; replaces isoleucine 238 with valine.
Molecular consequence: missense variant. On other transcripts: non-coding transcript variant (3), intron variant (5).
Genome position (GRCh38, 1-based): chr12:89,634,853, T>C on the plus strand (A>G on the coding strand, the complement: ATP2B1 is on the minus strand). VCF-style: chr12-89634853-T-C. GRCh37 (hg19) VCF-style: chr12-90028630-T-C.
Other names: c.712A>G, p.Ile238Val (NM_001001323.2, NM_001366520.1, NM_001366522.1 and 17 more transcripts); c.406+7305A>G (NM_001413060.1, NM_001366531.1, NM_001413058.1 and 2 more transcripts); c.514A>G, p.Ile172Val (NM_001366530.1, NM_001413053.1); c.457A>G, p.Ile153Val (NM_001413056.1); c.259A>G, p.Ile87Val (NM_001413057.1); short protein forms I153V, I172V, I238V, I87V.
Identifiers: ClinVar variation 5019239 (VCV005019239.2).
Genomic context (GRCh38, chr12:89,634,853, plus strand): 5'-GATCCTTATCTAAAGACTTTTTAACATGATCTGATTCACCAGTCAATGAGCTTTCATCAA[T>C]TTTAAGATCGTTGCCTTGAATAAGTATGCCGTCAGCTGGAAGAAGATCACCTAAAATAAA-3'
Protein context (NP_001353450.1, residues 228-248): GILIQGNDLK[Ile238Val]DESSLTGESD